The following is an entry in ClinVar:

ClinVar aggregate classification (germline): Uncertain significance (1 of 4 stars; one submission).

Conditions:
Duchenne muscular dystrophy (DMD). Also called: MUSCULAR DYSTROPHY, PSEUDOHYPERTROPHIC PROGRESSIVE, DUCHENNE TYPE; Duchenne Muscular Dystrophy (DMD). Identifiers: Orphanet 98896, MedGen C0013264, MONDO:0010679, OMIM 310200.

Allele frequency attached by ClinVar (database versions not stated): gnomAD 0.00001; TOPMed below 0.00001.
gnomAD v4.1: 1 of 1,209,695 alleles (0.000083%); highest among the groups gnomAD compares: Non-Finnish European, 0.00011%; no homozygotes.

Submission:

Labcorp Genetics (formerly Invitae), Labcorp
Classification: Uncertain significance for Duchenne muscular dystrophy. Last evaluated: 2023-08-28. Review status: criteria provided, single submitter. Criteria: Invitae Variant Classification Sherloc (09022015). Collection method: clinical testing. Allele origin: germline.
Comment: This variant has not been reported in the literature in individuals affected with DMD-related conditions. Advanced modeling of protein sequence and biophysical properties (such as structural, functional, and spatial information, amino acid conservation, physicochemical variation, residue mobility, and thermodynamic stability) has been performed at Invitae for this missense variant, however the output from this modeling did not meet the statistical confidence thresholds required to predict the impact of this variant on DMD protein function. In summary, the available evidence is currently insufficient to determine the role of this variant in disease. Therefore, it has been classified as a Variant of Uncertain Significance. This variant is not present in population databases (gnomAD no frequency). This sequence change replaces leucine, which is neutral and non-polar, with glutamine, which is neutral and polar, at codon 3038 of the DMD protein (p.Leu3038Gln).

NM_004006.3(DMD):c.9113T>A (p.Leu3038Gln)

Gene: DMD (dystrophin; minus strand). Cytogenetic location: Xp21.2.
Variant type: single nucleotide variant.
Coding change: c.9113T>A on transcript NM_004006.3 (MANE Select); coding-DNA position 9113, T replaced by A.
Protein change: p.Leu3038Gln; replaces leucine 3038 with glutamine.
Molecular consequence: missense variant.
Genome position (GRCh38, 1-based): chrX:31,348,606, A>T on the plus strand (T>A on the coding strand, the complement: DMD is on the minus strand). VCF-style: chrX-31348606-A-T. GRCh37 (hg19) VCF-style: chrX-31366723-A-T.
Other names: c.9089T>A, p.Leu3030Gln (NM_000109.4); c.9101T>A, p.Leu3034Gln (NM_004009.3); c.8744T>A, p.Leu2915Gln (NM_004010.3); c.5090T>A, p.Leu1697Gln (NM_004011.4); c.5081T>A, p.Leu1694Gln (NM_004012.4); c.1733T>A, p.Leu578Gln (NM_004013.3, NM_004020.4, NM_004021.3 and 2 more transcripts); c.926T>A, p.Leu309Gln (NM_004014.3); short protein forms L2915Q, L3030Q, L3038Q, L1694Q, L309Q, L1697Q, L3034Q, L578Q.
Identifiers: ClinVar variation 2920228 (VCV002920228.3), dbSNP rs1345504909, ClinGen allele CA412653759.